The following is an entry in ClinVar:

NM_001303256.3(MORC2):c.788A>G (p.Gln263Arg)

Gene: MORC2 (MORC family CW-type zinc finger 2; minus strand). Cytogenetic location: 22q12.2.
Variant type: single nucleotide variant.
Coding change: c.788A>G on transcript NM_001303256.3 (MANE Select); coding-DNA position 788, A replaced by G.
Protein change: p.Gln263Arg; replaces glutamine 263 with arginine.
Molecular consequence: missense variant.
Genome position (GRCh38, 1-based): chr22:30,941,469, T>C on the plus strand (A>G on the coding strand, the complement: MORC2 is on the minus strand). VCF-style: chr22-30941469-T-C. GRCh37 (hg19) VCF-style: chr22-31337456-T-C.
Other names: c.788A>G, p.Gln263Arg (NM_001303257.2); c.602A>G, p.Gln201Arg (NM_014941.3); short protein forms Q263R, Q201R.
Identifiers: ClinVar variation 3637779 (VCV003637779.2).

ClinVar aggregate classification (germline): Uncertain significance (1 of 4 stars; one submission).

Conditions:
Charcot-Marie-Tooth disease axonal type 2Z. Also called: CHARCOT-MARIE-TOOTH DISEASE, AXONAL, AUTOSOMAL DOMINANT, TYPE 2Z; CHARCOT-MARIE-TOOTH NEUROPATHY, TYPE 2Z. Identifiers: Orphanet 466768, MedGen C5569025, MONDO:0014736, OMIM 616688.

Submission:

Labcorp Genetics (formerly Invitae), Labcorp
Classification: Uncertain significance for Charcot-Marie-Tooth disease axonal type 2Z. Last evaluated: 2024-07-08. Review status: criteria provided, single submitter. Criteria: Invitae Variant Classification Sherloc (09022015). Collection method: clinical testing. Allele origin: germline.
Comment: This sequence change replaces glutamine, which is neutral and polar, with arginine, which is basic and polar, at codon 263 of the MORC2 protein (p.Gln263Arg). This variant is not present in population databases (gnomAD no frequency). This variant has not been reported in the literature in individuals affected with MORC2-related conditions. Advanced modeling of protein sequence and biophysical properties (such as structural, functional, and spatial information, amino acid conservation, physicochemical variation, residue mobility, and thermodynamic stability) has been performed at Invitae for this missense variant, however the output from this modeling did not meet the statistical confidence thresholds required to predict the impact of this variant on MORC2 protein function. Algorithms developed to predict the effect of sequence changes on RNA splicing suggest that this variant may create or strengthen a splice site. In summary, the available evidence is currently insufficient to determine the role of this variant in disease. Therefore, it has been classified as a Variant of Uncertain Significance.